The following is an entry in ClinVar:

NM_000091.5(COL4A3):c.4028-27A>G

Genes: COL4A3 (collagen type IV alpha 3 chain; plus strand), MFF-DT (MFF divergent transcript; minus strand). Cytogenetic location: 2q36.3.
Variant type: single nucleotide variant.
Coding change: c.4028-27A>G on transcript NM_000091.5 (MANE Select); 27 bases into the intron before coding-DNA position 4028, A replaced by G.
Molecular consequence: intron variant.
Genome position (GRCh38, 1-based): chr2:227,303,992, A>G. VCF-style: chr2-227303992-A-G. GRCh37 (hg19) VCF-style: chr2-228168708-A-G.
Identifiers: ClinVar variation 2203283 (VCV002203283.4), dbSNP rs2469909789, ClinGen allele CA2580066019.
Genomic context (GRCh38, chr2:227,303,992, plus strand): 5'-TAAATAAACGTCCTTACTATTGCTGTCAATGAAGAAAGGTAACACATCCGTGAGGCCATC[A>G]TCTTCTTCTTATGTTTATGTCAACAGGTGTACGTGGAGACCCTGGCACACTTAAGATTAT-3'

ClinVar aggregate classification (germline): Likely pathogenic (1 of 4 stars; one submission).

Allele frequency attached by ClinVar (database versions not stated): gnomAD exomes below 0.00001.
gnomAD v4.1: 1 of 1,614,226 alleles (0.000062%); highest among the groups gnomAD compares: Non-Finnish European, 0.000085%; no homozygotes.

Submission:

Labcorp Genetics (formerly Invitae), Labcorp
Classification: Likely pathogenic. Last evaluated: 2025-01-19. Review status: criteria provided, single submitter. Criteria: Invitae Variant Classification Sherloc (09022015). Collection method: clinical testing. Allele origin: germline.
Comment: This sequence change falls in intron 45 of the COL4A3 gene. It does not directly change the encoded amino acid sequence of the COL4A3 protein. RNA analysis indicates that this variant induces altered splicing and likely results in a shortened protein product. This variant is not present in population databases (gnomAD no frequency). This variant has been observed in individual(s) with autosomal recessive Alport syndrome (PMID: 24633401). In at least one individual the data is consistent with being in trans (on the opposite chromosome) from a pathogenic variant. ClinVar contains an entry for this variant (Variation ID: 2203283). Studies have shown that this variant results in skipping of exon 46, but is expected to preserve the integrity of the reading-frame (PMID: 24633401). In summary, the currently available evidence indicates that the variant is pathogenic, but additional data are needed to prove that conclusively. Therefore, this variant has been classified as Likely Pathogenic.

Literature cited by the submitters: PubMed 24633401.